The following is an entry in ClinVar:

NM_004357.5(CD151):c.438G>A (p.Val146=)

Gene: CD151 (CD151 molecule (Raph blood group); plus strand). Cytogenetic location: 11p15.5.
Variant type: single nucleotide variant.
Coding change: c.438G>A on transcript NM_004357.5 (MANE Select); coding-DNA position 438, G replaced by A.
Protein change: p.Val146=; no amino-acid change (valine 146 retained).
Molecular consequence: synonymous variant.
Genome position (GRCh38, 1-based): chr11:837,336, G>A. VCF-style: chr11-837336-G-A. GRCh37 (hg19) VCF-style: chr11-837336-G-A.
Other names: c.438G>A, p.Val146= (NM_001039490.2, NM_139029.2, NM_139030.4).
Identifiers: ClinVar variation 3057978 (VCV003057978.4), dbSNP rs138746134, ClinGen allele CA5792196.

ClinVar aggregate classification (germline): Likely benign. Review status: criteria provided, single submitter (1 of 4 stars). 2 submissions from 2 submitters: Likely benign (1). 1 of the submissions does not count toward it. Last evaluated 2024-02-06.

Conditions:
CD151-related disorder. Also called: CD151-related condition.

Allele frequency attached by ClinVar (database versions not stated): gnomAD 0.00002; TOPMed 0.00003; 1000 Genomes Project 30x 0.00016; 1000 Genomes Project 0.00020; ExAC 0.00001.
gnomAD v4.1: 24 of 1,612,876 alleles (0.0015%); highest among the groups gnomAD compares: Middle Eastern, 0.033%; no homozygotes.

Submissions (2):

Labcorp Genetics (formerly Invitae), Labcorp
Classification: Likely benign. Last evaluated: 2024-02-06. Review status: criteria provided, single submitter. Criteria: Invitae Variant Classification Sherloc (09022015). Collection method: clinical testing. Allele origin: germline.

PreventionGenetics, part of Exact Sciences
Classification: Likely benign for CD151-related condition. Last evaluated: 2019-02-27. Review status: no assertion criteria provided. Collection method: clinical testing. Allele origin: germline. Not counted in ClinVar's aggregate classification.
Comment: This variant is classified as likely benign based on ACMG/AMP sequence variant interpretation guidelines (Richards et al. 2015 PMID: 25741868, with internal and published modifications).